The following is an entry in ClinVar:

ClinVar aggregate classification (germline): Uncertain significance. Review status: criteria provided, multiple submitters, no conflicts (2 of 4 stars). 2 submissions from 2 submitters: Uncertain significance (2). Last evaluated 2024-05-30.

Conditions:
Catecholaminergic polymorphic ventricular tachycardia 1. Also called: VENTRICULAR TACHYCARDIA, CATECHOLAMINERGIC POLYMORPHIC, 1, WITH OR WITHOUT ATRIAL DYSFUNCTION AND/OR DILATED CARDIOMYOPATHY; VENTRICULAR TACHYCARDIA, STRESS-INDUCED POLYMORPHIC 1; RYR2-Related Catecholaminergic Polymorphic Ventricular Tachycardia. Identifiers: Orphanet 3286, MedGen C1631597, MONDO:0011484, OMIM 604772.
Catecholaminergic polymorphic ventricular tachycardia (CVPT). Also called: Catecholamine-induced polymorphic ventricular tachycardia. Identifiers: Orphanet 3286, MedGen C5574922, MONDO:0017990.

Submissions (2):

All of Us Research Program, National Institutes of Health
Classification: Uncertain significance for Catecholaminergic polymorphic ventricular tachycardia. Last evaluated: 2024-05-30. Review status: criteria provided, single submitter. Criteria: ACMG Guidelines, 2015. Collection method: clinical testing. Allele origin: germline. Inheritance: Autosomal dominant inheritance. Observed: 1 variant allele, 1 heterozygote.
Comment: This variant deletes 4 nucleotides in exon 13 of the RYR2 gene, creating a frameshift and premature translation stop signal. This variant is expected to result in an absent or non-functional protein product. To our knowledge, this variant has not been reported in individuals affected with RYR2-related disorders in the literature. This variant has not been identified in the general population by the Genome Aggregation Database (gnomAD). Clinical relevance of loss-of-function RYR2 truncation variants in autosomal dominant cardiovascular disorders is not clearly established. The available evidence is insufficient to determine the role of this variant in disease conclusively. Therefore, this variant is classified as a Variant of Uncertain Significance.

This study involves interpretation of variants in research participants for the purpose of population health screening. Participant phenotype was not available at the time of variant classification. Additional details can be found in publication PMID: 35346344, PMCID: PMC8962531

Labcorp Genetics (formerly Invitae), Labcorp
Classification: Uncertain significance for Catecholaminergic polymorphic ventricular tachycardia 1. Last evaluated: 2024-01-05. Review status: criteria provided, single submitter. Criteria: Invitae Variant Classification Sherloc (09022015). Collection method: clinical testing. Allele origin: germline.
Comment: This sequence change creates a premature translational stop signal (p.Tyr374Serfs*5) in the RYR2 gene. It is expected to result in an absent or disrupted protein product. However, the current clinical and genetic evidence is not sufficient to establish whether loss-of-function variants in RYR2 cause disease. This variant is not present in population databases (gnomAD no frequency). This premature translational stop signal has been observed in individual(s) with clinical features of RYR2-related conditions (Invitae). ClinVar contains an entry for this variant (Variation ID: 943537). In summary, the available evidence is currently insufficient to determine the role of this variant in disease. Therefore, it has been classified as a Variant of Uncertain Significance.

NM_001035.3(RYR2):c.1119_1122del (p.Tyr374fs)

Gene: RYR2 (ryanodine receptor 2; plus strand). Cytogenetic location: 1q43.
Variant type: Microsatellite.
Coding change: c.1119_1122del on transcript NM_001035.3 (MANE Select); coding-DNA positions 1119 to 1122, 4 bases deleted (TTAC; older notation c.1119_1122delTTAC).
Protein change: p.Tyr374fs; shifts the reading frame from tyrosine 374.
Molecular consequence: frameshift variant.
Genome position (GRCh38, 1-based): chr1:237,441,432-237,441,435, TTAC deleted; deleting any 4 consecutive bases within chr1:237,441,427-237,441,435 gives the same sequence; the c. name uses the placement nearest the transcript's 3' end. VCF-style (leftmost placement, unchanged base first): chr1-237441426-GCTTA-G. GRCh37 (hg19) VCF-style: chr1-237604726-GCTTA-G.
Other names: short protein forms Y374fs.
Identifiers: ClinVar variation 943537 (VCV000943537.10), dbSNP rs1707888448, ClinGen allele CA2487338030.